The following is an entry in ClinVar:

ClinVar aggregate classification (germline): Uncertain significance. Review status: criteria provided, multiple submitters, no conflicts (2 of 4 stars). 2 submissions from 2 submitters: Uncertain significance (2). Last evaluated 2026-01-06.

Conditions:
SLC27A5-related disorder. Also called: SLC27A5-related condition.

Submissions (2):

Labcorp Genetics (formerly Invitae), Labcorp
Classification: Uncertain significance. Last evaluated: 2026-01-06. Review status: criteria provided, single submitter. Criteria: Invitae Variant Classification Sherloc (09022015). Collection method: clinical testing. Allele origin: germline.
Comment: This sequence change replaces glycine, which is neutral and non-polar, with valine, which is neutral and non-polar, at codon 83 of the SLC27A5 protein (p.Gly83Val). The frequency data for this variant in the population databases is considered unreliable, as metrics indicate poor data quality at this position in the gnomAD database. This variant has not been reported in the literature in individuals affected with SLC27A5-related conditions. An algorithm developed to predict the effect of missense changes on protein structure and function (PolyPhen-2) suggests that this variant is likely to be disruptive. In summary, the available evidence is currently insufficient to determine the role of this variant in disease. Therefore, it has been classified as a Variant of Uncertain Significance.

PreventionGenetics, part of Exact Sciences
Classification: Uncertain significance for SLC27A5-related condition. Last evaluated: 2024-10-28. Review status: criteria provided, single submitter. Criteria: ACMG Guidelines, 2015. Collection method: clinical testing. Allele origin: germline.
Comment: The SLC27A5 c.248G>T variant is predicted to result in the amino acid substitution p.Gly83Val. To our knowledge, this variant has not been reported in the literature. This variant is reported in 0.0014% of alleles in individuals of European (Non-Finnish) descent in gnomAD. At this time, the clinical significance of this variant is uncertain due to the absence of conclusive functional and genetic evidence.

NM_012254.3(SLC27A5):c.248G>T (p.Gly83Val)

Gene: SLC27A5 (solute carrier family 27 member 5; minus strand). Cytogenetic location: 19q13.43.
Variant type: single nucleotide variant.
Coding change: c.248G>T on transcript NM_012254.3 (MANE Select); coding-DNA position 248, G replaced by T.
Protein change: p.Gly83Val; replaces glycine 83 with valine.
Molecular consequence: missense variant.
Genome position (GRCh38, 1-based): chr19:58,511,708, C>A on the plus strand (G>T on the coding strand, the complement: SLC27A5 is on the minus strand). VCF-style: chr19-58511708-C-A. GRCh37 (hg19) VCF-style: chr19-59023075-C-A.
Other names: c.248G>T, p.Gly83Val (NM_001321196.2); c.248G>T (NM_012254.2); short protein forms G83V.
Identifiers: ClinVar variation 4748696 (VCV004748696.2).